The following is an entry in ClinVar:

ClinVar aggregate classification (germline): Uncertain significance. Review status: criteria provided, single submitter (1 of 4 stars). 2 submissions from 2 submitters: Uncertain significance (1). 1 of the submissions does not count toward it. Last evaluated 2022-04-20.

Conditions:
SIX5-related disorder. Also called: SIX5-related condition.

Allele frequency attached by ClinVar (database versions not stated): gnomAD 0.00001; gnomAD exomes 0.00001; TOPMed 0.00001.

Submissions (2):

Labcorp Genetics (formerly Invitae), Labcorp
Classification: Uncertain significance. Last evaluated: 2022-04-20. Review status: criteria provided, single submitter. Criteria: Invitae Variant Classification Sherloc (09022015). Collection method: clinical testing. Allele origin: germline.
Comment: In summary, the available evidence is currently insufficient to determine the role of this variant in disease. Therefore, it has been classified as a Variant of Uncertain Significance. Algorithms developed to predict the effect of missense changes on protein structure and function are either unavailable or do not agree on the potential impact of this missense change (SIFT: "Deleterious"; PolyPhen-2: "Probably Damaging"; Align-GVGD: "Class C0"). This variant has not been reported in the literature in individuals affected with SIX5-related conditions. The frequency data for this variant in the population databases is considered unreliable, as metrics indicate poor data quality at this position in the gnomAD database. This sequence change replaces glycine, which is neutral and non-polar, with arginine, which is basic and polar, at codon 391 of the SIX5 protein (p.Gly391Arg).

PreventionGenetics, part of Exact Sciences
Classification: Uncertain significance for SIX5-related condition. Last evaluated: 2024-07-11. Review status: no assertion criteria provided. Collection method: clinical testing. Allele origin: germline. Not counted in ClinVar's aggregate classification.
Comment: The SIX5 c.1171G>A variant is predicted to result in the amino acid substitution p.Gly391Arg. To our knowledge, this variant has not been reported in the literature. This variant is reported in 0.011% of alleles in individuals of African descent in gnomAD. At this time, the clinical significance of this variant is uncertain due to the absence of conclusive functional and genetic evidence.

NM_175875.5(SIX5):c.1171G>A (p.Gly391Arg)

Gene: SIX5 (SIX homeobox 5; minus strand). Cytogenetic location: 19q13.32.
Variant type: single nucleotide variant.
Coding change: c.1171G>A on transcript NM_175875.5 (MANE Select); coding-DNA position 1171, G replaced by A.
Protein change: p.Gly391Arg; replaces glycine 391 with arginine.
Molecular consequence: missense variant.
Genome position (GRCh38, 1-based): chr19:45,766,788, C>T on the plus strand (G>A on the coding strand, the complement: SIX5 is on the minus strand). VCF-style: chr19-45766788-C-T. GRCh37 (hg19) VCF-style: chr19-46270046-C-T.
Other names: c.1171G>A (NM_175875.4); short protein forms G391R.
Identifiers: ClinVar variation 1967434 (VCV001967434.6), dbSNP rs751067755, ClinGen allele CA309000930.
Genomic context (GRCh38, chr19:45,766,788, plus strand): 5'-CCACCTGGGCCCCTTTGGTCTCAGGGGCCTCCGACTGAGCCTCCTCCAGCCGCACCTCCC[C>T]TGTCTGAGGGTCCAGGACCAGAGAGGTCTTGGTCTCGCTGGCCCCCTGAGGGCTGGGCTG-3'
Protein context (NP_787071.3, residues 381-401): KTSLVLDPQT[Gly391Arg]EVRLEEAQSE